The following is an entry in ClinVar:

NM_004239.4(TRIP11):c.202-7T>A

Gene: TRIP11 (thyroid hormone receptor interactor 11; minus strand). Cytogenetic location: 14q32.12.
Variant type: single nucleotide variant.
Coding change: c.202-7T>A on transcript NM_004239.4 (MANE Select); 7 bases into the intron before coding-DNA position 202, T replaced by A.
Molecular consequence: intron variant.
Genome position (GRCh38, 1-based): chr14:92,025,427, A>T on the plus strand (T>A on the coding strand, the complement: TRIP11 is on the minus strand). VCF-style: chr14-92025427-A-T. GRCh37 (hg19) VCF-style: chr14-92491771-A-T.
Other names: c.199-7T>A (NM_001321851.1).
Identifiers: ClinVar variation 314978 (VCV000314978.30), dbSNP rs56034853, ClinGen allele CA7314258.

ClinVar aggregate classification (germline): Benign. Review status: criteria provided, multiple submitters, no conflicts (2 of 4 stars). 8 submissions from 8 submitters: Benign (7). 1 of the submissions does not count toward it. Last evaluated 2026-05-11.

Conditions:
Connective tissue disorder. Also called: Connective tissue disease. Identifiers: MedGen C0009782, MONDO:0003900.
TRIP11-related disorder. Also called: TRIP11-Related Disorders; TRIP11-related condition.
Achondrogenesis, type IA (ACG1A). Identifiers: Orphanet 932, Orphanet 93299, MedGen C0265273, MONDO:0008701, OMIM 200600.

Allele frequency attached by ClinVar (database versions not stated): ExAC 0.00475; ESP Exome Variant Server 0.01193; gnomAD 0.01303 and 0.01319; TOPMed 0.01495; 1000 Genomes Project 0.01837; 1000 Genomes Project 30x 0.01936.

Submissions (11):

Women's Health and Genetics/Laboratory Corporation of America, LabCorp
Classification: Benign. Last evaluated: 2026-05-11. Review status: criteria provided, single submitter. Criteria: LabCorp Variant Classification Summary - May 2015. Collection method: clinical testing. Allele origin: germline.

Labcorp Genetics (formerly Invitae), Labcorp
Classification: Benign for Achondrogenesis, type IA. Last evaluated: 2026-02-03. Review status: criteria provided, single submitter. Criteria: Invitae Variant Classification Sherloc (09022015). Collection method: clinical testing. Allele origin: germline.

ARUP Laboratories, Molecular Genetics and Genomics, ARUP Laboratories
Classification: Benign. Last evaluated: 2023-11-06. Review status: criteria provided, single submitter. Criteria: ARUP Molecular Germline Variant Investigation Process 2024. Collection method: clinical testing. Allele origin: germline.

Genome Diagnostics Laboratory, The Hospital for Sick Children
Classification: Benign for Connective tissue disorder. Last evaluated: 2021-11-01. Review status: criteria provided, single submitter. Criteria: ACMG Guidelines, 2015. Collection method: clinical testing. Allele origin: germline.

Illumina Laboratory Services, Illumina
Classification: Benign for Achondrogenesis, type IA. Last evaluated: 2018-01-12. Review status: criteria provided, single submitter. Criteria: ICSL Variant Classification Criteria 13 December 2019. Collection method: clinical testing. Allele origin: germline.
Comment: This variant was observed in the ICSL laboratory as part of a predisposition screen in an ostensibly healthy population. It had not been previously curated by ICSL or reported in the Human Gene Mutation Database (HGMD: prior to June 1st, 2018), and was therefore a candidate for classification through an automated scoring system. Utilizing variant allele frequency, disease prevalence and penetrance estimates, and inheritance mode, an automated score was calculated to assess if this variant is too frequent to cause the disease. Based on the score and internal cut-off values, a variant classified as benign is not then subjected to further curation. The score for this variant resulted in a classification of benign for this disease.

GeneDx
Classification: Benign. Last evaluated: 2016-10-31. Review status: criteria provided, single submitter. Criteria: GeneDx Variant Classification (06012015). Collection method: clinical testing. Allele origin: germline. Affected: yes.
Comment: This variant is considered likely benign or benign based on one or more of the following criteria: it is a conservative change, it occurs at a poorly conserved position in the protein, it is predicted to be benign by multiple in silico algorithms, and/or has population frequency not consistent with disease.

Breakthrough Genomics
Classification: Benign. Review status: criteria provided, single submitter. Criteria: ACMG Guidelines, 2015. Collection method: not provided. Allele origin: germline. Inheritance: Autosomal recessive inheritance. Affected: yes.

PreventionGenetics, part of Exact Sciences
Classification: Benign for TRIP11-related condition. Last evaluated: 2019-05-23. Review status: no assertion criteria provided. Collection method: clinical testing. Allele origin: germline. Not counted in ClinVar's aggregate classification.
Comment: This variant is classified as benign based on ACMG/AMP sequence variant interpretation guidelines (Richards et al. 2015 PMID: 25741868, with internal and published modifications).

Dr. Peter K. Rogan Lab, Western University
No classification provided (evidence only). Condition: Lung cancer. Review status: no classification provided. Collection method: in vitro. Allele origin: not applicable. Functional consequence: retained intron. Not counted in ClinVar's aggregate classification.

Dr. Peter K. Rogan Lab, Western University
No classification provided (evidence only). Condition: Uterine corpus endometrial carcinoma. Review status: no classification provided. Collection method: in vitro. Allele origin: not applicable. Functional consequence: retained intron. Not counted in ClinVar's aggregate classification.

Dr. Peter K. Rogan Lab, Western University
No classification provided (evidence only). Condition: Malignant tumor of esophagus. Review status: no classification provided. Collection method: in vitro. Allele origin: not applicable. Functional consequence: retained intron. Not counted in ClinVar's aggregate classification.